The following is an entry in ClinVar:

GRCh38/hg38 3q25.32(chr3:158707865-158947436)x1

Genes: MFSD1 (major facilitator superfamily domain containing 1; plus strand), RARRES1 (retinoic acid receptor responder 1; minus strand), LOC100287290 (uncharacterized LOC100287290; plus strand), LOC110121239 (VISTA enhancer hs1990; plus strand), LOC121048720 (Sharpr-MPRA regulatory region 7446; plus strand) and 8 more. Cytogenetic location: 3q25.32.
Variant type: copy number loss.
Change: copy number 1 (one copy instead of two) of chr3:158,707,865-158,947,436 (239.6 kb, GRCh38 coordinates, 1-based), cytogenetic band 3q25.32.
Identifiers: ClinVar variation 155291 (VCV000155291.2).

ClinVar aggregate classification (germline): conflicting data from submitters (0 of 4 stars; one submission).

Submission:

ISCA site 1
Classification: conflicting data from submitters. Last evaluated: 2015-02-05. Review status: no assertion criteria provided. Collection method: clinical testing. Allele origin: paternal, unknown. Affected: yes. Observed: 3 variant alleles. Clinical features observed: Abnormal facial shape (HP:0002260), Polydactyly (HP:0010442), Microcephaly (HP:0000252), Delayed speech and language development (HP:0000750), Intellectual disability (HP:0001249), Seizures (HP:0001250), Spasticity (HP:0001257), Failure to thrive (HP:0001508), Polyhydramnios (HP:0001561), Morphological abnormality of the central nervous system (HP:0002011), Delayed gross motor development (HP:0002194), Delayed fine motor development (HP:0010862), and 5 more.
Comment: Uncertain significance(2), Likely benign (1)

Copy number variation identified through the course of routine clinical cytogenomic testing in postnatal populations, with clinical assertions as classified by the original submitter. For data from the original published study, Kaminsky, et al. 2011 (PubMed 21844811), please see nstd101.